The following is an entry in ClinVar:

NM_001684.5(ATP2B4):c.832T>G (p.Ser278Ala)

Gene: ATP2B4 (ATPase plasma membrane Ca2+ transporting 4; plus strand). Cytogenetic location: 1q32.1.
Variant type: single nucleotide variant.
Coding change: c.832T>G on transcript NM_001684.5 (MANE Select); coding-DNA position 832, T replaced by G.
Protein change: p.Ser278Ala; replaces serine 278 with alanine.
Molecular consequence: missense variant.
Genome position (GRCh38, 1-based): chr1:203,700,854, T>G. VCF-style: chr1-203700854-T-G. GRCh37 (hg19) VCF-style: chr1-203669982-T-G.
Other names: c.832T>G, p.Ser278Ala (NM_001001396.3, NM_001365783.2, NM_001365784.2); short protein forms S278A.
Identifiers: ClinVar variation 1715445 (VCV001715445.5), dbSNP rs2545374906, ClinGen allele CA344310927.

ClinVar aggregate classification (germline): Uncertain significance (1 of 4 stars; one submission).

Allele frequency attached by ClinVar (database versions not stated): gnomAD exomes below 0.00001.
gnomAD v4.1: 1 of 1,613,788 alleles (0.000062%); highest among the groups gnomAD compares: East Asian, 0.0022%; no homozygotes.

Submission:

Labcorp Genetics (formerly Invitae), Labcorp
Classification: Uncertain significance. Last evaluated: 2022-08-07. Review status: criteria provided, single submitter. Criteria: Invitae Variant Classification Sherloc (09022015). Collection method: clinical testing. Allele origin: germline.
Comment: This sequence change replaces serine, which is neutral and polar, with alanine, which is neutral and non-polar, at codon 278 of the ATP2B4 protein (p.Ser278Ala). This variant is not present in population databases (gnomAD no frequency). In summary, the available evidence is currently insufficient to determine the role of this variant in disease. Therefore, it has been classified as a Variant of Uncertain Significance. Algorithms developed to predict the effect of missense changes on protein structure and function are either unavailable or do not agree on the potential impact of this missense change (SIFT: "Deleterious"; PolyPhen-2: "Probably Damaging"; Align-GVGD: "Class C0"). This variant has not been reported in the literature in individuals affected with ATP2B4-related conditions.